The following is an entry in ClinVar:

ClinVar aggregate classification (germline): Uncertain significance (1 of 4 stars; one submission).

Conditions:
Adams-Oliver syndrome 4 (AOS4). Identifiers: Orphanet 974, MedGen C3809092, MONDO:0014124, OMIM 615297.

Submission:

Labcorp Genetics (formerly Invitae), Labcorp
Classification: Uncertain significance for Adams-Oliver syndrome 4. Last evaluated: 2022-02-03. Review status: criteria provided, single submitter. Criteria: Invitae Variant Classification Sherloc (09022015). Collection method: clinical testing. Allele origin: germline.
Comment: In summary, the available evidence is currently insufficient to determine the role of this variant in disease. Therefore, it has been classified as a Variant of Uncertain Significance. Algorithms developed to predict the effect of missense changes on protein structure and function (SIFT, PolyPhen-2, Align-GVGD) all suggest that this variant is likely to be disruptive. ClinVar contains an entry for this variant (Variation ID: 946322). This variant has not been reported in the literature in individuals affected with EOGT-related conditions. This variant is not present in population databases (gnomAD no frequency). This sequence change replaces serine, which is neutral and polar, with threonine, which is neutral and polar, at codon 206 of the EOGT protein (p.Ser206Thr).

NM_001278689.2(EOGT):c.616T>A (p.Ser206Thr)

Gene: EOGT (EGF domain specific O-linked N-acetylglucosamine transferase; minus strand). Cytogenetic location: 3p14.1.
Variant type: single nucleotide variant.
Coding change: c.616T>A on transcript NM_001278689.2 (MANE Select); coding-DNA position 616, T replaced by A.
Protein change: p.Ser206Thr; replaces serine 206 with threonine.
Molecular consequence: missense variant. On other transcripts: non-coding transcript variant (1).
Genome position (GRCh38, 1-based): chr3:69,004,382, A>T on the plus strand (T>A on the coding strand, the complement: EOGT is on the minus strand). VCF-style: chr3-69004382-A-T. GRCh37 (hg19) VCF-style: chr3-69053533-A-T.
Other names: c.616T>A, p.Ser206Thr (NM_173654.3); short protein forms S206T.
Identifiers: ClinVar variation 946322 (VCV000946322.6), dbSNP rs2091384133, ClinGen allele CA353467273.
Genomic context (GRCh38, chr3:69,004,382, plus strand): 5'-AAGTGCCGTAAATAAAGGCAAATATTTCCGAAACAGATACGTTAAAAATATCTTACCATG[A>T]CTGCAGAGGGCTTTTGCGCTGACCTTCAGACGTCAATGTACGGATGTCAAGTTTACAGTG-3'
Protein context (NP_001265618.1, residues 196-216): SEGQRKSPLQ[Ser206Thr]WFAELQSYTQ